The following is an entry in ClinVar:

ClinVar aggregate classification (germline): Uncertain significance (1 of 4 stars; one submission).

Submission:

Labcorp Genetics (formerly Invitae), Labcorp
Classification: Uncertain significance. Last evaluated: 2022-07-17. Review status: criteria provided, single submitter. Criteria: Invitae Variant Classification Sherloc (09022015). Collection method: clinical testing. Allele origin: germline.
Comment: This sequence change replaces alanine, which is neutral and non-polar, with valine, which is neutral and non-polar, at codon 273 of the XPC protein (p.Ala273Val). In summary, the available evidence is currently insufficient to determine the role of this variant in disease. Therefore, it has been classified as a Variant of Uncertain Significance. Algorithms developed to predict the effect of missense changes on protein structure and function output the following: SIFT: "Not Available"; PolyPhen-2: "Benign"; Align-GVGD: "Not Available". The valine amino acid residue is found in multiple mammalian species, which suggests that this missense change does not adversely affect protein function. This variant has not been reported in the literature in individuals affected with XPC-related conditions. This variant is not present in population databases (gnomAD no frequency).

NM_004628.5(XPC):c.818C>T (p.Ala273Val)

Gene: XPC (XPC complex subunit, DNA damage recognition and repair factor; minus strand). Cytogenetic location: 3p25.1.
Variant type: single nucleotide variant.
Coding change: c.818C>T on transcript NM_004628.5 (MANE Select); coding-DNA position 818, C replaced by T.
Protein change: p.Ala273Val; replaces alanine 273 with valine.
Molecular consequence: missense variant. On other transcripts: non-coding transcript variant (2).
Genome position (GRCh38, 1-based): chr3:14,164,895, G>A on the plus strand (C>T on the coding strand, the complement: XPC is on the minus strand). VCF-style: chr3-14164895-G-A. GRCh37 (hg19) VCF-style: chr3-14206395-G-A.
Other names: c.239C>T, p.Ala80Val (NM_001354726.2); c.818C>T, p.Ala273Val (NM_001354727.2, NM_001354730.2); c.800C>T, p.Ala267Val (NM_001354729.2); short protein forms A267V, A273V, A80V.
Identifiers: ClinVar variation 1717313 (VCV001717313.5), dbSNP rs2470278576, ClinGen allele CA351541799.